The following is an entry in ClinVar:

NM_022455.5(NSD1):c.7554AGC[2] (p.Ala2521del)

Gene: NSD1 (nuclear receptor binding SET domain protein 1; plus strand). Cytogenetic location: 5q35.3.
Variant type: Microsatellite.
Coding change: c.7554AGC[2] on transcript NM_022455.5 (MANE Select); two copies in a row of the 3-base unit AGC starting at c.7554; the reference has three copies in a row; one copy, 3 bases deleted.
Protein change: p.Ala2521del; deletes alanine 2521.
Molecular consequence: inframe deletion. On other transcripts: inframe indel (11).
Genome position (GRCh38, 1-based): chr5:177,294,928-177,294,930, AGC deleted; deleting any 3 consecutive bases within chr5:177,294,922-177,294,930 gives the same sequence; the position shown is the placement nearest the transcript's 3' end. VCF-style (leftmost placement, unchanged base first): chr5-177294921-AAGC-A. GRCh37 (hg19) VCF-style: chr5-176721922-AAGC-A.
Other names: c.6681_6683AGC[2], p.Ala2230del (NM_001365684.2, NM_001409308.1, NM_172349.5); c.7554_7556AGC[2], p.Ala2521del (NM_001409301.1, NM_001409302.1, NM_001409303.1); c.7134_7136AGC[2], p.Ala2381del (NM_001409304.1); c.6801_6803AGC[2], p.Ala2270del (NM_001409305.1); c.6792_6794AGC[2], p.Ala2267del (NM_001409306.1, NM_001409307.1); c.6432_6434AGC[2], p.Ala2147del (NM_001409309.1); short protein forms A2147del, A2267del, A2270del, A2521del, A2252del, A2381del, A2230del.
Identifiers: ClinVar variation 2125700 (VCV002125700.4), dbSNP rs2127283470, ClinGen allele CA2580614808.
Genomic context (GRCh38, chr5:177,294,921, plus strand): 5'-GGCATATGCCGAGAGCTGTTGAGAAAGGCTGTGTGTCAGATCCTCTTCAGACATCTGGGA[AAGC>A]AGCAGCCCCTTCAGAGGACCCCTGGCAAGCTGTTAAATCACTCACCCAGGCCAGACTTCT-3'

ClinVar aggregate classification (germline): Uncertain significance (1 of 4 stars; one submission).

Submission:

Labcorp Genetics (formerly Invitae), Labcorp
Classification: Uncertain significance. Last evaluated: 2024-10-22. Review status: criteria provided, single submitter. Criteria: Invitae Variant Classification Sherloc (09022015). Collection method: clinical testing. Allele origin: germline.
Comment: This variant, c.7560_7562del, results in the deletion of 1 amino acid(s) of the NSD1 protein (p.Ala2521del), but otherwise preserves the integrity of the reading frame. This variant is not present in population databases (gnomAD no frequency). This variant has not been reported in the literature in individuals affected with NSD1-related conditions. Experimental studies and prediction algorithms are not available or were not evaluated, and the functional significance of this variant is currently unknown. In summary, the available evidence is currently insufficient to determine the role of this variant in disease. Therefore, it has been classified as a Variant of Uncertain Significance.